The following is an entry in ClinVar:

ClinVar aggregate classification (germline): Pathogenic (1 of 4 stars; one submission).

Conditions:
Severe intellectual disability-progressive spastic diplegia syndrome (NEDSDV). Also called: NEURODEVELOPMENTAL DISORDER WITH SPASTIC DIPLEGIA AND VISUAL DEFECTS; CTNNB1 Neurodevelopmental Disorder. Identifiers: Orphanet 404473, MedGen C3554449, MONDO:0014035, OMIM 615075.

Submissions (2):

Molecular Genetics Laboratory, Motol Hospital
Classification: Pathogenic for Severe intellectual disability-progressive spastic diplegia syndrome. Last evaluated: 2025-05-02. Review status: criteria provided, single submitter. Criteria: ACMG Guidelines, 2015. Collection method: clinical testing. Allele origin: de novo. Affected: yes. Observed: 1 variant allele.
Comment: Not present in gnomAD (v4.1.0), dbSNP or ClinVar (PM2). Rare truncating variants affecting the CTNNB1 gene are documented as a molecular cause of autosomal dominant "neurodevelopmental disorder with spastic diplegia and visual defects" (NEDSDV, MIM:615075; PMID:24614104;PMID:28514307;PMID:25326669;PMID:27915094;PMID:24668549) (PVS1).To conclude, the variant is classified as pathogenic (ACMG PM2, PS2, PVS1).

Dr. Peter K. Rogan Lab, Western University
No classification provided (evidence only). Condition: Glioma susceptibility 1. Review status: no classification provided. Collection method: in vitro. Allele origin: not applicable. Functional consequence: skipped exon, retained intron. Not counted in ClinVar's aggregate classification.

Literature cited by the submitters: PubMed 24614104 (cited by Molecular Genetics Laboratory, Motol Hospital); PubMed 28514307 (cited by Molecular Genetics Laboratory, Motol Hospital); PubMed 25326669 (cited by Molecular Genetics Laboratory, Motol Hospital); PubMed 27915094 (cited by Molecular Genetics Laboratory, Motol Hospital); PubMed 24668549 (cited by Molecular Genetics Laboratory, Motol Hospital).

NM_001904.4(CTNNB1):c.1082-2A>G

Gene: CTNNB1 (catenin beta 1; plus strand). Cytogenetic location: 3p22.1.
Variant type: single nucleotide variant.
Coding change: c.1082-2A>G on transcript NM_001904.4 (MANE Select); the canonical splice acceptor site of the intron before coding-DNA position 1082, A replaced by G.
Molecular consequence: splice acceptor variant.
Genome position (GRCh38, 1-based): chr3:41,233,339, A>G. VCF-style: chr3-41233339-A-G. GRCh37 (hg19) VCF-style: chr3-41274830-A-G.
Other names: NC_000003.11:g.41274830A>G; c.1061-2A>G (NM_001330729.2); c.1082-2A>G (NM_001098209.2, NM_001098210.2).
Identifiers: ClinVar variation 3895539 (VCV003895539.2).